The following is an entry in ClinVar:

ClinVar aggregate classification (germline): Conflicting classifications of pathogenicity. Review status: criteria provided, conflicting classifications (1 of 4 stars). 2 submissions from 2 submitters: Uncertain significance (1); Likely benign (1). Last evaluated 2025-10-01.

Conditions:
Occult macular dystrophy (OCMD). Also called: OMD; OCCULT MACULAR DYSTROPHY, SUSCEPTIBILITY TO. Identifiers: Orphanet 247834, MedGen C3150833, MONDO:0013316, OMIM 613587, HP:0030636.

Allele frequency attached by ClinVar (database versions not stated): gnomAD exomes below 0.00001 and 0.00001.

Submissions (2):

CeGaT Center for Human Genetics Tuebingen
Classification: Likely benign. Last evaluated: 2025-10-01. Review status: criteria provided, single submitter. Criteria: CeGaT Center For Human Genetics Tuebingen Variant Classification Criteria Version 2. Collection method: clinical testing. Allele origin: germline. Affected: yes. Observed: 1 variant allele.
Comment: RP1L1: BP4, BP7

Illumina Laboratory Services, Illumina
Classification: Uncertain significance for Occult macular dystrophy. Last evaluated: 2018-01-12. Review status: criteria provided, single submitter. Criteria: ICSL Variant Classification Criteria 13 December 2019. Collection method: clinical testing. Allele origin: germline.

NM_178857.6(RP1L1):c.6597A>G (p.Pro2199=)

Gene: RP1L1 (RP1 like 1). Cytogenetic location: 8p23.1.
Variant type: single nucleotide variant.
Coding change: c.6597A>G on transcript NM_178857.6 (MANE Select); coding-DNA position 6597, A replaced by G.
Protein change: p.Pro2199=; no amino-acid change (proline 2199 retained).
Molecular consequence: synonymous variant.
Genome position (GRCh38, 1-based): chr8:10,607,501, T>C on the plus strand (A>G on the coding strand, the complement: RP1L1 is on the minus strand). VCF-style: chr8-10607501-T-C. GRCh37 (hg19) VCF-style: chr8-10465011-T-C.
Identifiers: ClinVar variation 361218 (VCV000361218.11), dbSNP rs886062575, ClinGen allele CA10629810.